The following is an entry in ClinVar:

NM_001127222.2(CACNA1A):c.1538G>A (p.Trp513Ter)

Gene: CACNA1A (calcium voltage-gated channel subunit alpha1 A; minus strand). Cytogenetic location: 19p13.13.
Variant type: single nucleotide variant.
Coding change: c.1538G>A on transcript NM_001127222.2 (MANE Select); coding-DNA position 1538, G replaced by A.
Protein change: p.Trp513Ter; replaces tryptophan 513 with a stop codon.
Molecular consequence: nonsense.
Genome position (GRCh38, 1-based): chr19:13,317,129, C>T on the plus strand (G>A on the coding strand, the complement: CACNA1A is on the minus strand). VCF-style: chr19-13317129-C-T. GRCh37 (hg19) VCF-style: chr19-13427943-C-T.
Other names: c.1541G>A, p.Trp514Ter (NM_000068.4, NM_001127221.2, NM_001174080.2 and 1 more transcripts); short protein forms W514*, W513*.
Identifiers: ClinVar variation 951391 (VCV000951391.3), dbSNP rs2058143736, ClinGen allele CA404345590.

ClinVar aggregate classification (germline): Pathogenic/Likely pathogenic. Review status: criteria provided, multiple submitters, no conflicts (2 of 4 stars). 3 submissions from 3 submitters: Pathogenic (2); Likely pathogenic (1). Last evaluated 2021-07-30.

Conditions:
Episodic ataxia type 2 (EA2). Also called: EPISODIC ATAXIA, NYSTAGMUS-ASSOCIATED; ATAXIA, EPISODIC, WITH NYSTAGMUS; ATAXIA, FAMILIAL PAROXYSMAL; CEREBELLAR ATAXIA, PAROXYSMAL, ACETAZOLAMIDE-RESPONSIVE; CEREBELLOPATHY, HEREDITARY PAROXYSMAL; ACETAZOLAMIDE-RESPONSIVE HEREDITARY PAROXYSMAL CEREBELLAR ATAXIA. Identifiers: Orphanet 97, MedGen C1720416, MONDO:0007163, OMIM 108500.
Developmental and epileptic encephalopathy, 42 (DEE42A). Also called: Epileptic encephalopathy, early infantile, 42; DEVELOPMENTAL AND EPILEPTIC ENCEPHALOPATHY 42A; EPILEPTIC ENCEPHALOPATHY, EARLY INFANTILE, 42A. Identifiers: MedGen C4310716, MONDO:0014917, OMIM 617106.
CACNA1A-related disorder. Also called: CACNA1A-related condition.

Submissions (3):

Blueprint Genetics
Classification: Likely pathogenic for CACNA1A-related disorders. Last evaluated: 2021-07-30. Review status: criteria provided, single submitter. Criteria: ACMG Guidelines, 2015. Collection method: clinical testing. Allele origin: germline. Affected: yes. Observed: 1 variant allele.

Victorian Clinical Genetics Services, Murdoch Childrens Research Institute
Classification: Pathogenic for Episodic ataxia type 2. Last evaluated: 2021-05-06. Review status: criteria provided, single submitter. Criteria: ACMG Guidelines, 2015. Collection method: clinical testing. Allele origin: germline. Inheritance: Autosomal dominant inheritance. Affected: yes.
Comment: Based on the classification scheme VCGS_Germline_v1.3.4, this variant is classified as Pathogenic. Following criteria are met: 0103 - Loss of function and gain of function are known mechanisms of disease in this gene and are associated with CACNA1A-related disease. Episodic ataxia, type 2 (MIM#108500) is caused by variants with a loss of function mechanism (PMID: 28566750). (I) 0107 - This gene is associated with autosomal dominant disease. (I) 0112 - The condition associated with this gene has incomplete penetrance. Reduced penetrance has been reported for patients with episodic ataxia, type 2 (OMIM). (I) 0115 - Variants in this gene are known to have variable expressivity. Two families with episodic ataxia, intellectual disability and/or epilepsy have been reported with intrafamilial variability (PMID: 32910250, PMID: 30142438). (I) 0201 - Variant is predicted to cause nonsense-mediated decay (NMD) and loss of protein (premature termination codon is located at least 54 nucleotides upstream of the final exon-exon junction). (SP) 0251 - This variant is heterozygous. (I) 0301 - Variant is absent from gnomAD (both v2 and v3). (SP) 0701 - Other NMD-predicted variants comparable to the one identified in this case have very strong previous evidence for pathogenicity. These variants have been reported many times as pathogenic, and observed in patients with cognitive impairments and episodic events (ClinVar, PMID: 31115040). (SP) 0803 - This variant has limited previous evidence of pathogenicity in an unrelated individual. This variant has been reported as pathogenic (ClinVar). (SP) 0905 - No published segregation evidence has been identified for this variant. (I) 1007 - No published functional evidence has been identified for this variant. (I) Legend: (SP) - Supporting pathogenic, (I) - Information, (SB) - Supporting benign

Labcorp Genetics (formerly Invitae), Labcorp
Classification: Pathogenic for Epileptic encephalopathy, early infantile, 42; Episodic ataxia type 2. Last evaluated: 2019-06-19. Review status: criteria provided, single submitter. Criteria: Invitae Variant Classification Sherloc (09022015). Collection method: clinical testing. Allele origin: germline.
Comment: This sequence change creates a premature translational stop signal (p.Trp514*) in the CACNA1A gene. It is expected to result in an absent or disrupted protein product. This variant is not present in population databases (ExAC no frequency). This variant has not been reported in the literature in individuals with CACNA1A-related conditions. Loss-of-function variants in CACNA1A are known to be pathogenic (PMID: 10371528, 19486177, 25735478, 27250579). For these reasons, this variant has been classified as Pathogenic.

Literature cited by the submitters: PubMed 25735478 (cited by Victorian Clinical Genetics Services, Murdoch Childrens Research Institute); PubMed 28566750 (cited by Victorian Clinical Genetics Services, Murdoch Childrens Research Institute); PubMed 31115040 (cited by Victorian Clinical Genetics Services, Murdoch Childrens Research Institute); PubMed 32910250 (cited by Victorian Clinical Genetics Services, Murdoch Childrens Research Institute); PubMed 30142438 (cited by Victorian Clinical Genetics Services, Murdoch Childrens Research Institute).